The following is an entry in ClinVar:

NM_001242896.3(DEPDC5):c.4484C>G (p.Pro1495Arg)

Gene: DEPDC5 (DEP domain containing 5, GATOR1 subcomplex subunit; plus strand). Cytogenetic location: 22q12.3.
Variant type: single nucleotide variant.
Coding change: c.4484C>G on transcript NM_001242896.3 (MANE Select); coding-DNA position 4484, C replaced by G.
Protein change: p.Pro1495Arg; replaces proline 1495 with arginine.
Molecular consequence: missense variant. On other transcripts: non-coding transcript variant (5).
Genome position (GRCh38, 1-based): chr22:31,906,031, C>G. VCF-style: chr22-31906031-C-G. GRCh37 (hg19) VCF-style: chr22-32302017-C-G.
Other names: c.4457C>G, p.Pro1486Arg (NM_001136029.4); c.4184C>G, p.Pro1395Arg (NM_001242897.2); c.4418C>G, p.Pro1473Arg (NM_001363852.2, NM_001364320.2); c.4250C>G, p.Pro1417Arg (NM_001363854.2, NM_001364319.2); c.4484C>G, p.Pro1495Arg (NM_001364318.2); c.4400C>G, p.Pro1467Arg (NM_001369901.1, NM_001369902.1); c.4391C>G, p.Pro1464Arg (NM_001369903.1, NM_014662.6); short protein forms P1417R, P1464R, P1473R, P1495R, P1395R, P1467R, P1486R.
Identifiers: ClinVar variation 959659 (VCV000959659.9), dbSNP rs2093751685, ClinGen allele CA411291786.

ClinVar aggregate classification (germline): Uncertain significance (1 of 4 stars; one submission).

Conditions:
Familial focal epilepsy with variable foci (FPEVF). Identifiers: Orphanet 98820, MedGen C1858477, MONDO:0020310.

Submission:

Labcorp Genetics (formerly Invitae), Labcorp
Classification: Uncertain significance for Familial focal epilepsy with variable foci. Last evaluated: 2019-08-08. Review status: criteria provided, single submitter. Criteria: Invitae Variant Classification Sherloc (09022015). Collection method: clinical testing. Allele origin: germline.
Comment: This sequence change replaces proline with arginine at codon 1495 of the DEPDC5 protein (p.Pro1495Arg). The proline residue is highly conserved and there is a moderate physicochemical difference between proline and arginine. This variant is not present in population databases (ExAC no frequency). This variant has not been reported in the literature in individuals with DEPDC5-related conditions. Algorithms developed to predict the effect of missense changes on protein structure and function are either unavailable or do not agree on the potential impact of this missense change (SIFT: "Tolerated"; PolyPhen-2: "Not Available"; Align-GVGD: "Class C0"). In summary, the available evidence is currently insufficient to determine the role of this variant in disease. Therefore, it has been classified as a Variant of Uncertain Significance.